The following is an entry in ClinVar:

NM_006493.4(CLN5):c.148C>T (p.Arg50Trp)

Genes: CLN5 (CLN5 lysosomal BMP synthase; plus strand), LOC130009913 (ATAC-STARR-seq lymphoblastoid silent region 5414; plus strand). Cytogenetic location: 13q22.3.
Variant type: single nucleotide variant.
Coding change: c.148C>T on transcript NM_006493.4 (MANE Select); coding-DNA position 148, C replaced by T.
Protein change: p.Arg50Trp; replaces arginine 50 with tryptophan.
Molecular consequence: missense variant.
Genome position (GRCh38, 1-based): chr13:76,992,246, C>T. VCF-style: chr13-76992246-C-T. GRCh37 (hg19) VCF-style: chr13-77566381-C-T.
Other names: c.148C>T, p.Arg50Trp (NM_001366624.2); short protein forms R50W.
Identifiers: ClinVar variation 970842 (VCV000970842.13), dbSNP rs763892391, ClinGen allele CA7007137.

ClinVar aggregate classification (germline): Uncertain significance. Review status: criteria provided, single submitter (1 of 4 stars). 2 submissions from 2 submitters: Uncertain significance (1). 1 of the submissions does not count toward it. Last evaluated 2023-08-24.

Conditions:
Neuronal ceroid lipofuscinosis. Also called: Neuronal Ceroid Lipofuscinoses. Identifiers: Orphanet 216, Orphanet 79263, MedGen C0027877, MONDO:0016295. Disease mechanism: loss of function.

Allele frequency attached by ClinVar (database versions not stated): gnomAD 0.00001; gnomAD exomes 0.00002; TOPMed 0.00004.
gnomAD v4.1: 23 of 1,584,060 alleles (0.0015%); highest among the groups gnomAD compares: Non-Finnish European, 0.002%; no homozygotes.

Submissions (2):

Labcorp Genetics (formerly Invitae), Labcorp
Classification: Uncertain significance for Neuronal ceroid lipofuscinosis. Last evaluated: 2023-08-24. Review status: criteria provided, single submitter. Criteria: Invitae Variant Classification Sherloc (09022015). Collection method: clinical testing. Allele origin: germline.
Comment: In summary, the available evidence is currently insufficient to determine the role of this variant in disease. Therefore, it has been classified as a Variant of Uncertain Significance. Advanced modeling of protein sequence and biophysical properties (such as structural, functional, and spatial information, amino acid conservation, physicochemical variation, residue mobility, and thermodynamic stability) performed at Invitae indicates that this missense variant is not expected to disrupt CLN5 protein function. ClinVar contains an entry for this variant (Variation ID: 970842). This variant has not been reported in the literature in individuals affected with CLN5-related conditions. This variant is not present in population databases (gnomAD no frequency). This sequence change replaces arginine, which is basic and polar, with tryptophan, which is neutral and slightly polar, at codon 99 of the CLN5 protein (p.Arg99Trp).

Natera, Inc.
Classification: Uncertain significance for Neuronal ceroid lipofuscinosis. Last evaluated: 2020-07-17. Review status: no assertion criteria provided. Collection method: clinical testing. Allele origin: germline. Not counted in ClinVar's aggregate classification.